The following is an entry in ClinVar:

ClinVar aggregate classification (germline): Likely pathogenic. Review status: criteria provided, multiple submitters, no conflicts (2 of 4 stars). 2 submissions from 2 submitters: Likely pathogenic (2). Last evaluated 2022-10-04.

Conditions:
Usmani-Riazuddin syndrome, autosomal dominant (USRISD). Identifiers: MedGen C5561952, MONDO:0859174, OMIM 619467.

Submissions (2):

Genetics Laboratory, UDIAT-Centre Diagnòstic, Hospital Universitari Parc Tauli
Classification: Likely pathogenic for Usmani-Riazuddin syndrome, autosomal dominant. Last evaluated: 2022-10-04. Review status: criteria provided, single submitter. Criteria: Parc Tauli Hospital Assertion Criteria 2021. Collection method: clinical testing. Allele origin: de novo. Inheritance: Autosomal dominant inheritance. Affected: yes.
Comment: PM5;PM6;PM2_supporting;PP3

Kasturba Medical College, Manipal, Kasturba Medical College, Manipal, Manipal Academy of Higher Education, Manipal, India
Classification: Likely pathogenic for Usmani-Riazuddin syndrome, autosomal dominant. Review status: criteria provided, single submitter. Criteria: ACMG Guidelines, 2015. Collection method: research. Allele origin: de novo. Inheritance: Autosomal dominant inheritance. Affected: yes. Observed: 1 heterozygote.
Comment: This variant was absent in gnomAD population database and our in-house database of 2123 exomes. Multiple in silico tools predict that the variant is disease-causing.

NM_001128.6(AP1G1):c.43C>T (p.Arg15Trp)

Gene: AP1G1 (adaptor related protein complex 1 subunit gamma 1; minus strand). Cytogenetic location: 16q22.2.
Variant type: single nucleotide variant.
Coding change: c.43C>T on transcript NM_001128.6 (MANE Select); coding-DNA position 43, C replaced by T.
Protein change: p.Arg15Trp; replaces arginine 15 with tryptophan.
Molecular consequence: missense variant.
Genome position (GRCh38, 1-based): chr16:71,789,437, G>A on the plus strand (C>T on the coding strand, the complement: AP1G1 is on the minus strand). VCF-style: chr16-71789437-G-A. GRCh37 (hg19) VCF-style: chr16-71823340-G-A.
Other names: c.43C>T, p.Arg15Trp (NM_001030007.2); short protein forms R15W.
Identifiers: ClinVar variation 1708218 (VCV001708218.3), dbSNP rs2032319236, ClinGen allele CA396673846.